The following is an entry in ClinVar:

ClinVar aggregate classification (germline): Uncertain significance. Review status: criteria provided, multiple submitters, no conflicts (2 of 4 stars). 3 submissions from 3 submitters: Uncertain significance (3). Last evaluated 2022-09-06.

Conditions:
Spastic paraplegia. Identifiers: MedGen C0037772, HP:0001258.
Inborn genetic diseases. Identifiers: MedGen C0950123, MeSH D030342.

Allele frequency attached by ClinVar (database versions not stated): TOPMed 0.00001; gnomAD exomes 0.00001; gnomAD 0.00001; ExAC 0.00001.
gnomAD v4.1: 16 of 1,614,026 alleles (0.00099%); highest among the groups gnomAD compares: Middle Eastern, 0.016%; no homozygotes.

Submissions (3):

Labcorp Genetics (formerly Invitae), Labcorp
Classification: Uncertain significance for Spastic paraplegia. Last evaluated: 2022-09-06. Review status: criteria provided, single submitter. Criteria: Invitae Variant Classification Sherloc (09022015). Collection method: clinical testing. Allele origin: germline.
Comment: This sequence change replaces arginine, which is basic and polar, with tryptophan, which is neutral and slightly polar, at codon 771 of the ZFYVE26 protein (p.Arg771Trp). This variant is present in population databases (rs772591592, gnomAD 0.01%). This variant has not been reported in the literature in individuals affected with ZFYVE26-related conditions. ClinVar contains an entry for this variant (Variation ID: 1496998). Algorithms developed to predict the effect of missense changes on protein structure and function (SIFT, PolyPhen-2, Align-GVGD) all suggest that this variant is likely to be disruptive. In summary, the available evidence is currently insufficient to determine the role of this variant in disease. Therefore, it has been classified as a Variant of Uncertain Significance.

Ambry Genetics
Classification: Uncertain significance for Inborn genetic diseases. Last evaluated: 2021-12-03. Review status: criteria provided, single submitter. Criteria: Ambry Variant Classification Scheme 2023. Collection method: clinical testing. Allele origin: germline.

Breakthrough Genomics
Classification: Uncertain significance. Review status: criteria provided, single submitter. Criteria: ACMG Guidelines, 2015. Collection method: not provided. Allele origin: germline. Inheritance: Autosomal recessive inheritance. Affected: yes.

NM_015346.4(ZFYVE26):c.2311C>T (p.Arg771Trp)

Gene: ZFYVE26 (zinc finger FYVE-type containing 26; minus strand). Cytogenetic location: 14q24.1.
Variant type: single nucleotide variant.
Coding change: c.2311C>T on transcript NM_015346.4 (MANE Select); coding-DNA position 2311, C replaced by T.
Protein change: p.Arg771Trp; replaces arginine 771 with tryptophan.
Molecular consequence: missense variant.
Genome position (GRCh38, 1-based): chr14:67,797,693, G>A on the plus strand (C>T on the coding strand, the complement: ZFYVE26 is on the minus strand). VCF-style: chr14-67797693-G-A. GRCh37 (hg19) VCF-style: chr14-68264410-G-A.
Other names: c.2311C>T (NM_015346.3); short protein forms R771W.
Identifiers: ClinVar variation 1496998 (VCV001496998.5), dbSNP rs772591592, ClinGen allele CA7240340.
Genomic context (GRCh38, chr14:67,797,693, plus strand): 5'-CCACTTGCCTAGTGCATGGGAATGAGCTCTTCAGATTACCTGCCTGGCTCCTTCTTGTCC[G>A]ACGACCCCGGCGGAGACTGGGGTGACGTGTGGCAGGCTGGTATCTTCGGGAAGGTTGCTC-3'
Protein context (NP_056161.2, residues 761-781): TRHPSLRRGR[Arg771Trp]TRRSQADGRD